The following is an entry in ClinVar:

ClinVar aggregate classification (germline): Uncertain significance. Review status: criteria provided, multiple submitters, no conflicts (2 of 4 stars). 3 submissions from 3 submitters: Uncertain significance (3). Last evaluated 2024-03-06.

Conditions:
Cardiovascular phenotype. Identifiers: MedGen CN230736.
Charcot-Marie-Tooth disease type 2. Also called: Charcot-Marie-Tooth type 2. Identifiers: Orphanet 64746, MedGen C0270914, MONDO:0018993.
Cardiomyopathy (CMYO). Also called: Cardiomyopathies. Identifiers: Orphanet 167848, MedGen C0878544, MONDO:0004994, HP:0001638. Inheritance: Various modes of inheritance.

Submissions (3):

Color Diagnostics, LLC DBA Color Health
Classification: Uncertain significance for Cardiomyopathy. Last evaluated: 2024-03-06. Review status: criteria provided, single submitter. Criteria: ACMG Guidelines, 2015. Collection method: clinical testing. Allele origin: germline.
Comment: This missense variant replaces glutamic acid with lysine at codon 37 of the lamin A/C proteins. Computational prediction is inconclusive regarding the impact of this variant on protein structure and function (internally defined REVEL score threshold 0.5 < inconclusive < 0.7, PMID: 27666373). To our knowledge, functional studies have not been reported for this variant. This variant has not been reported in individuals affected with cardiovascular disorders in the literature. This variant has not been identified in the general population by the Genome Aggregation Database (gnomAD). The available evidence is insufficient to determine the role of this variant in disease conclusively. Therefore, this variant is classified as a Variant of Uncertain Significance.

Labcorp Genetics (formerly Invitae), Labcorp
Classification: Uncertain significance for Charcot-Marie-Tooth disease type 2. Last evaluated: 2021-05-16. Review status: criteria provided, single submitter. Criteria: Invitae Variant Classification Sherloc (09022015). Collection method: clinical testing. Allele origin: germline.
Comment: In summary, the available evidence is currently insufficient to determine the role of this variant in disease. Therefore, it has been classified as a Variant of Uncertain Significance. Algorithms developed to predict the effect of missense changes on protein structure and function are either unavailable or do not agree on the potential impact of this missense change (SIFT: "Deleterious"; PolyPhen-2: "Benign"; Align-GVGD: "Class C55"). This variant has not been reported in the literature in individuals with LMNA-related conditions. ClinVar contains an entry for this variant (Variation ID: 519531). This variant is not present in population databases (ExAC no frequency). This sequence change replaces glutamic acid with lysine at codon 37 of the LMNA protein (p.Glu37Lys). The glutamic acid residue is highly conserved and there is a small physicochemical difference between glutamic acid and lysine.

Ambry Genetics
Classification: Uncertain significance for Cardiovascular phenotype. Last evaluated: 2017-10-31. Review status: criteria provided, single submitter. Criteria: Ambry Variant Classification Scheme 2023. Collection method: clinical testing. Allele origin: germline.
Comment: The p.E37K variant (also known as c.109G>A), located in coding exon 1 of the LMNA gene, results from a G to A substitution at nucleotide position 109. The glutamic acid at codon 37 is replaced by lysine, an amino acid with some similar properties. This amino acid position is not well conserved in available vertebrate species. In addition, the in silico prediction for this alteration is inconclusive. Since supporting evidence is limited at this time, the clinical significance of this alteration remains unclear.

NM_170707.4(LMNA):c.109G>A (p.Glu37Lys)

Gene: LMNA (lamin A/C; plus strand). Cytogenetic location: 1q22.
Variant type: single nucleotide variant.
Coding change: c.109G>A on transcript NM_170707.4 (MANE Select); coding-DNA position 109, G replaced by A.
Protein change: p.Glu37Lys; replaces glutamic acid 37 with lysine.
Molecular consequence: missense variant.
Genome position (GRCh38, 1-based): chr1:156,115,027, G>A. VCF-style: chr1-156115027-G-A. GRCh37 (hg19) VCF-style: chr1-156084818-G-A.
Other names: c.109G>A, p.Glu37Lys (NM_001282625.2, NM_001282626.2, NM_005572.4 and 1 more transcripts); short protein forms E37K.
Identifiers: ClinVar variation 519531 (VCV000519531.16), dbSNP rs1354642495, ClinGen allele CA342807590.